The following is an entry in ClinVar:

NM_001277115.2(DNAH11):c.9097A>G (p.Ile3033Val)

Gene: DNAH11 (dynein axonemal heavy chain 11; plus strand). Cytogenetic location: 7p15.3.
Variant type: single nucleotide variant.
Coding change: c.9097A>G on transcript NM_001277115.2 (MANE Select); coding-DNA position 9097, A replaced by G.
Protein change: p.Ile3033Val; replaces isoleucine 3033 with valine.
Molecular consequence: missense variant.
Genome position (GRCh38, 1-based): chr7:21,765,584, A>G. VCF-style: chr7-21765584-A-G. GRCh37 (hg19) VCF-style: chr7-21805202-A-G.
Other names: short protein forms I3033V.
Identifiers: ClinVar variation 163117 (VCV000163117.39), dbSNP rs72657373, ClinGen allele CA175741.

ClinVar aggregate classification (germline): Benign/Likely benign. Review status: criteria provided, multiple submitters, no conflicts (2 of 4 stars). 7 submissions from 7 submitters: Benign (5); Likely benign (2). Last evaluated 2026-09-01.

Conditions:
Primary ciliary dyskinesia. Also called: Ciliary dyskinesia. Identifiers: Orphanet 244, MedGen C0008780, MONDO:0016575, HP:0012265.
Primary ciliary dyskinesia 7. Also called: CILIARY DYSKINESIA, PRIMARY, 7, WITH OR WITHOUT SITUS INVERSUS. Identifiers: Orphanet 244, MedGen C2678473, MONDO:0012748, OMIM 611884.

Allele frequency attached by ClinVar (database versions not stated): ESP Exome Variant Server 0.00246; 1000 Genomes Project 0.00399; gnomAD 0.00428 and 0.00437; 1000 Genomes Project 30x 0.00484; TOPMed 0.00593; ExAC 0.00633; gnomAD exomes 0.00680.
gnomAD v4.1: 8,324 of 1,458,502 alleles (0.57%); highest among the groups gnomAD compares: Admixed American, 2.9%; 63 homozygotes.

Submissions (7):

CeGaT Center for Human Genetics Tuebingen
Classification: Benign. Last evaluated: 2026-09-01. Review status: criteria provided, single submitter. Criteria: CeGaT Center For Human Genetics Tuebingen Variant Classification Criteria Version 2. Collection method: clinical testing. Allele origin: germline. Affected: yes. Observed: 8 variant alleles.
Comment: DNAH11: BP4, BS1, BS2

Labcorp Genetics (formerly Invitae), Labcorp
Classification: Benign for Primary ciliary dyskinesia. Last evaluated: 2026-02-01. Review status: criteria provided, single submitter. Criteria: Invitae Variant Classification Sherloc (09022015). Collection method: clinical testing. Allele origin: germline.

Blueprint Genetics
Classification: Likely benign. Last evaluated: 2024-11-26. Review status: criteria provided, single submitter. Criteria: ACMG Guidelines, 2015. Collection method: clinical testing. Allele origin: germline.

ARUP Laboratories, Molecular Genetics and Genomics, ARUP Laboratories
Classification: Likely benign for Primary ciliary dyskinesia 7. Last evaluated: 2023-10-06. Review status: criteria provided, single submitter. Criteria: ARUP Molecular Germline Variant Investigation Process 2024. Collection method: clinical testing. Allele origin: germline.

GeneDx
Classification: Benign. Last evaluated: 2020-12-24. Review status: criteria provided, single submitter. Criteria: GeneDx Variant Classification Process June 2021. Collection method: clinical testing. Allele origin: germline. Affected: yes.
Comment: This variant is associated with the following publications: (PMID: 18492703, 31213628)

Laboratory for Molecular Medicine, Mass General Brigham Personalized Medicine
Classification: Benign. Last evaluated: 2015-09-03. Review status: criteria provided, single submitter. Criteria: LMM Criteria. Collection method: clinical testing. Allele origin: germline. Observed: 3 variant alleles.
Comment: p.Ile3033Val in exon 55 of DNAH11: This variant is not expected to have clinical significance because it has been identified in 3.6% (373/10238) of Latino chrom osomes by the Exome Aggregation Consortium (ExAC ; dbSNP rs72657373).

PreventionGenetics, part of Exact Sciences
Classification: Benign. Review status: criteria provided, single submitter. Criteria: ACMG Guidelines, 2015. Collection method: clinical testing. Allele origin: germline.